The following is an entry in ClinVar:

ClinVar aggregate classification (germline): Pathogenic/Likely pathogenic. Review status: criteria provided, multiple submitters, no conflicts (2 of 4 stars). 5 submissions from 5 submitters: Pathogenic (1); Likely pathogenic (3). 1 of the submissions does not count toward it. Last evaluated 2025-04-04.

Conditions:
NPC1-related disorder. Also called: NPC1-related condition.
Niemann-Pick disease, type C1. Also called: NIEMANN-PICK DISEASE, VARIANT TYPE C1; NEUROVISCERAL STORAGE DISEASE WITH VERTICAL SUPRANUCLEAR OPHTHALMOPLEGIA; NIEMANN-PICK DISEASE WITH CHOLESTEROL ESTERIFICATION BLOCK; NIEMANN-PICK DISEASE WITHOUT SPHINGOMYELINASE DEFICIENCY; NIEMANN-PICK DISEASE, CHRONIC NEURONOPATHIC FORM. Identifiers: Orphanet 646, MedGen C3179455, MONDO:0009757, OMIM 257220.
Niemann-Pick disease, type C (NPC). Identifiers: Orphanet 646, MedGen C0220756, MONDO:0018982.

Allele frequency attached by ClinVar (database versions not stated): gnomAD exomes 0.00001.

Submissions (5):

Women's Health and Genetics/Laboratory Corporation of America, LabCorp
Classification: Likely pathogenic for Niemann-Pick disease, type C. Last evaluated: 2025-04-04. Review status: criteria provided, single submitter. Criteria: LabCorp Variant Classification Summary - May 2015. Collection method: clinical testing. Allele origin: germline.
Comment: Variant summary: NPC1 c.3001A>G (p.Met1001Val) results in a conservative amino acid change in the encoded protein sequence. Three of five in-silico tools predict a benign effect of the variant on protein function. The variant was absent in 251486 control chromosomes (gnomAD). c.3001A>G has been reported in the literature in individuals affected with Niemann-Pick Disease Type C (Jamrozik_2013, Stampfer_2013, Reunert_2015, Invitae). These data indicate that the variant is likely to be associated with disease. To our knowledge, no experimental evidence demonstrating an impact on protein function has been reported. The following publications have been ascertained in the context of this evaluation (PMID: 23487299, 26981555, 23433426). ClinVar contains an entry for this variant (Variation ID: 1026548). Based on the evidence outlined above, the variant was classified as likely pathogenic.

GeneDx
Classification: Likely pathogenic. Last evaluated: 2024-03-12. Review status: criteria provided, single submitter. Criteria: GeneDx Variant Classification Process June 2021. Collection method: clinical testing. Allele origin: germline. Affected: yes.
Comment: Not observed at significant frequency in large population cohorts (gnomAD); In silico analysis supports that this missense variant does not alter protein structure/function; This variant is associated with the following publications: (PMID: 23487299, 26869201, 26981555, 23433426)

Blueprint Genetics
Classification: Likely pathogenic for NPC1-related disorders. Last evaluated: 2023-10-27. Review status: criteria provided, single submitter. Criteria: ACMG Guidelines, 2015. Collection method: clinical testing. Allele origin: germline. Affected: yes. Observed: 1 variant allele.

Labcorp Genetics (formerly Invitae), Labcorp
Classification: Pathogenic for Niemann-Pick disease, type C1. Last evaluated: 2022-10-17. Review status: criteria provided, single submitter. Criteria: Invitae Variant Classification Sherloc (09022015). Collection method: clinical testing. Allele origin: germline.
Comment: Algorithms developed to predict the effect of missense changes on protein structure and function (SIFT, PolyPhen-2, Align-GVGD) all suggest that this variant is likely to be tolerated. For these reasons, this variant has been classified as Pathogenic. This variant disrupts the p.Met1001 amino acid residue in NPC1. Other variant(s) that disrupt this residue have been observed in individuals with NPC1-related conditions (PMID: 23773996), which suggests that this may be a clinically significant amino acid residue. ClinVar contains an entry for this variant (Variation ID: 1026548). This missense change has been observed in individual(s) with Niemann-Pick disease type C (PMID: 23487299, 26981555; Invitae). In at least one individual the data is consistent with being in trans (on the opposite chromosome) from a pathogenic variant. This variant is not present in population databases (gnomAD no frequency). This sequence change replaces methionine, which is neutral and non-polar, with valine, which is neutral and non-polar, at codon 1001 of the NPC1 protein (p.Met1001Val).

Natera, Inc.
Classification: Uncertain significance for Niemann-Pick disease type C1. Last evaluated: 2020-07-08. Review status: no assertion criteria provided. Collection method: clinical testing. Allele origin: germline. Not counted in ClinVar's aggregate classification.

Literature cited by the submitters: PubMed 26981555 (cited by Women's Health and Genetics/Laboratory Corporation of America, LabCorp and Labcorp Genetics (formerly Invitae), Labcorp); PubMed 23433426 (cited by Women's Health and Genetics/Laboratory Corporation of America, LabCorp); PubMed 23487299 (cited by Women's Health and Genetics/Laboratory Corporation of America, LabCorp and Labcorp Genetics (formerly Invitae), Labcorp); PubMed 23773996 (cited by Labcorp Genetics (formerly Invitae), Labcorp).

NM_000271.5(NPC1):c.3001A>G (p.Met1001Val)

Gene: NPC1 (NPC intracellular cholesterol transporter 1; minus strand). Cytogenetic location: 18q11.2.
Variant type: single nucleotide variant.
Coding change: c.3001A>G on transcript NM_000271.5 (MANE Select); coding-DNA position 3001, A replaced by G.
Protein change: p.Met1001Val; replaces methionine 1001 with valine.
Molecular consequence: missense variant.
Genome position (GRCh38, 1-based): chr18:23,538,582, T>C on the plus strand (A>G on the coding strand, the complement: NPC1 is on the minus strand). VCF-style: chr18-23538582-T-C. GRCh37 (hg19) VCF-style: chr18-21118546-T-C.
Other names: c.3001A>G (NM_000271.4); short protein forms M1001V.
Identifiers: ClinVar variation 1026548 (VCV001026548.16), dbSNP rs2058666849, ClinGen allele CA401792165.